The following is an entry in ClinVar:

ClinVar aggregate classification (germline): Pathogenic/Likely pathogenic. Review status: criteria provided, multiple submitters, no conflicts (2 of 4 stars). 3 submissions from 3 submitters: Pathogenic (2); Likely pathogenic (1). Last evaluated 2023-03-30.

Conditions:
GRIN2B-related disorder. Also called: GRIN2B-related condition.
Intellectual developmental disorder, autosomal dominant 6, with or without seizures. Also called: Intellectual disability, autosomal dominant 6; GRIN2B-related developmental delay, intellectual disability and autism spectrum disorder. Identifiers: Orphanet 589547, MedGen C3151411, MONDO:0013509, OMIM 613970.

Submissions (3):

PreventionGenetics, part of Exact Sciences
Classification: Pathogenic for GRIN2B-related condition. Last evaluated: 2023-03-30. Review status: criteria provided, single submitter. Criteria: ACMG Guidelines, 2015. Collection method: clinical testing. Allele origin: germline.
Comment: The GRIN2B c.2459G>T variant is predicted to result in the amino acid substitution p.Gly820Val. This missense change was documented de novo in at least two unrelated individuals with developmental delays and intellectual disability (Platzer et al. 2017. PubMed ID: 28377535, Ziats et al. 2020. PubMed ID: 31618753). Additionally, multiple patients with de novo variants leading to different amino acid substitutions at this residue have been reported with features consistent with GRIN2B-related disease (p.Gly820Arg, p.Gly820Ala, p.Gly820Glu; Platzer et al. 2017. PubMed ID: 28377535, Powis et al. 2020. PubMed ID: 31628766, Gao et al. 2018. PubMed ID: 30440138, Marinakis et al. 2021. PubMed ID: 34008892). This variant has not been reported in a large population database, indicating this variant is rare. This variant is interpreted as pathogenic.

GeneDx
Classification: Pathogenic. Last evaluated: 2022-02-24. Review status: criteria provided, single submitter. Criteria: GeneDx Variant Classification Process June 2021. Collection method: clinical testing. Allele origin: germline. Affected: yes.
Comment: Not observed at significant frequency in large population cohorts (gnomAD); In silico analysis supports that this missense variant has a deleterious effect on protein structure/function; This variant is associated with the following publications: (PMID: 27839871, 28377535, 27818011, 28636915, 31618753, 34568804)

Institute of Human Genetics, University of Leipzig Medical Center
Classification: Likely pathogenic for Intellectual developmental disorder, autosomal dominant 6, with or without seizures. Last evaluated: 2017-04-04. Review status: criteria provided, single submitter. Criteria: ACMG Guidelines, 2015. Collection method: clinical testing. Allele origin: de novo. Affected: yes.
Comment: This variant was identified as de novo (maternity and paternity confirmed).

Literature cited by the submitters: PubMed 28377535 (cited by Institute of Human Genetics, University of Leipzig Medical Center).

NM_000834.5(GRIN2B):c.2459G>T (p.Gly820Val)

Gene: GRIN2B (glutamate ionotropic receptor NMDA type subunit 2B; minus strand). Cytogenetic location: 12p13.1.
Variant type: single nucleotide variant.
Coding change: c.2459G>T on transcript NM_000834.5 (MANE Select); coding-DNA position 2459, G replaced by T.
Protein change: p.Gly820Val; replaces glycine 820 with valine.
Molecular consequence: missense variant.
Genome position (GRCh38, 1-based): chr12:13,567,164, C>A on the plus strand (G>T on the coding strand, the complement: GRIN2B is on the minus strand). VCF-style: chr12-13567164-C-A. GRCh37 (hg19) VCF-style: chr12-13720098-C-A.
Other names: short protein forms G820V.
Identifiers: ClinVar variation 234635 (VCV000234635.6), dbSNP rs797044849, ClinGen allele CA10577443.